The following is an entry in ClinVar:

ClinVar aggregate classification (germline): Likely benign (1 of 4 stars; one submission).

Allele frequency attached by ClinVar (database versions not stated): gnomAD exomes 0.00014; 1000 Genomes Project 30x 0.00031; 1000 Genomes Project 0.00040; ExAC 0.00045; gnomAD 0.00050; TOPMed 0.00051; ESP Exome Variant Server 0.00055.

Submission:

CeGaT Center for Human Genetics Tuebingen
Classification: Likely benign. Last evaluated: 2023-08-01. Review status: criteria provided, single submitter. Criteria: CeGaT Center For Human Genetics Tuebingen Variant Classification Criteria Version 2. Collection method: clinical testing. Allele origin: germline. Affected: yes. Observed: 1 variant allele.
Comment: JRK: BP4, BP7

NM_003724.4(JRK):c.537C>T (p.Ser179=)

Gene: JRK (Jrk helix-turn-helix protein; minus strand). Cytogenetic location: 8q24.3.
Variant type: single nucleotide variant.
Coding change: c.537C>T on transcript NM_003724.4 (MANE Select); coding-DNA position 537, C replaced by T.
Protein change: p.Ser179=; no amino-acid change (serine 179 retained).
Molecular consequence: synonymous variant.
Genome position (GRCh38, 1-based): chr8:142,665,522, G>A on the plus strand (C>T on the coding strand, the complement: JRK is on the minus strand). VCF-style: chr8-142665522-G-A. GRCh37 (hg19) VCF-style: chr8-143746941-G-A.
Other names: c.537C>T, p.Ser179= (NM_001077527.3, NM_001279352.2).
Identifiers: ClinVar variation 2658885 (VCV002658885.24), dbSNP rs192933202, ClinGen allele CA4903332.